The following is an entry in ClinVar:

NM_003227.4(TFR2):c.447G>A (p.Gly149=)

Gene: TFR2 (transferrin receptor 2; minus strand). Cytogenetic location: 7q22.1.
Variant type: single nucleotide variant.
Coding change: c.447G>A on transcript NM_003227.4 (MANE Select); coding-DNA position 447, G replaced by A.
Protein change: p.Gly149=; no amino-acid change (glycine 149 retained).
Molecular consequence: synonymous variant.
Genome position (GRCh38, 1-based): chr7:100,640,712, C>T on the plus strand (G>A on the coding strand, the complement: TFR2 is on the minus strand). VCF-style: chr7-100640712-C-T. GRCh37 (hg19) VCF-style: chr7-100238335-C-T.
Identifiers: ClinVar variation 358300 (VCV000358300.30), dbSNP rs41302366, ClinGen allele CA4386848.

ClinVar aggregate classification (germline): Benign/Likely benign. Review status: criteria provided, multiple submitters, no conflicts (2 of 4 stars). 4 submissions from 4 submitters: Benign (1); Likely benign (1). 2 of the submissions do not count toward it. Last evaluated 2026-01-26.

Conditions:
TFR2-related disorder. Also called: TFR2-related condition.
Hereditary hemochromatosis (HFE). Identifiers: MedGen C0392514, MONDO:0006507. Disease mechanism: loss of function.
Hemochromatosis type 3 (HFE3). Also called: HEMOCHROMATOSIS DUE TO DEFECT IN TRANSFERRIN RECEPTOR 2; Hereditary hemochromatosis type 3; TFR2-Related Hemochromatosis. Identifiers: Orphanet 225123, MedGen C1858664, MONDO:0011417, OMIM 604250.

Allele frequency attached by ClinVar (database versions not stated): gnomAD 0.00022 and 0.00029; TOPMed 0.00030; 1000 Genomes Project 0.00140; 1000 Genomes Project 30x 0.00141.
gnomAD v4.1: 293 of 1,613,542 alleles (0.018%); highest among the groups gnomAD compares: East Asian, 0.52%; 1 homozygote.

Submissions (4):

Labcorp Genetics (formerly Invitae), Labcorp
Classification: Benign for Hereditary hemochromatosis. Last evaluated: 2026-01-26. Review status: criteria provided, single submitter. Criteria: Invitae Variant Classification Sherloc (09022015). Collection method: clinical testing. Allele origin: germline.

Illumina Laboratory Services, Illumina
Classification: Likely benign for Hemochromatosis type 3. Last evaluated: 2018-01-13. Review status: criteria provided, single submitter. Criteria: ICSL Variant Classification Criteria 13 December 2019. Collection method: clinical testing. Allele origin: germline.
Comment: This variant was observed in the ICSL laboratory as part of a predisposition screen in an ostensibly healthy population. It had not been previously curated by ICSL or reported in the Human Gene Mutation Database (HGMD: prior to June 1st, 2018), and was therefore a candidate for classification through an automated scoring system. Utilizing variant allele frequency, disease prevalence and penetrance estimates, and inheritance mode, an automated score was calculated to assess if this variant is too frequent to cause the disease. Based on the score and internal cut-off values, a variant classified as likely benign is not then subjected to further curation. The score for this variant resulted in a classification of likely benign for this disease.

Natera, Inc.
Classification: Likely benign for Hereditary hemochromatosis type 3. Last evaluated: 2020-01-03. Review status: no assertion criteria provided. Collection method: clinical testing. Allele origin: germline. Not counted in ClinVar's aggregate classification.

PreventionGenetics, part of Exact Sciences
Classification: Likely benign for TFR2-related condition. Last evaluated: 2019-04-05. Review status: no assertion criteria provided. Collection method: clinical testing. Allele origin: germline. Not counted in ClinVar's aggregate classification.
Comment: This variant is classified as likely benign based on ACMG/AMP sequence variant interpretation guidelines (Richards et al. 2015 PMID: 25741868, with internal and published modifications).